The following is an entry in ClinVar:

ClinVar aggregate classification (germline): Conflicting classifications of pathogenicity. Review status: criteria provided, conflicting classifications (1 of 4 stars). 5 submissions from 5 submitters: Uncertain significance (3); Likely benign (2). Last evaluated 2026-03-27.

Conditions:
Autosomal recessive limb-girdle muscular dystrophy type 2J (LGMDR10). Also called: Limb-girdle muscular dystrophy, type 2J; MUSCULAR DYSTROPHY, LIMB-GIRDLE, AUTOSOMAL RECESSIVE 10. Identifiers: Orphanet 140922, MedGen C1837342, MONDO:0012127, OMIM 608807.
Dilated cardiomyopathy 1G (CMD1G). Identifiers: Orphanet 154, MedGen C1858763, MONDO:0011400, OMIM 604145.
Cardiomyopathy (CMYO). Also called: Cardiomyopathies. Identifiers: Orphanet 167848, MedGen C0878544, MONDO:0004994, HP:0001638. Inheritance: Various modes of inheritance.

Allele frequency attached by ClinVar (database versions not stated): ESP Exome Variant Server 0.00008; gnomAD 0.00004 and 0.00005; TOPMed 0.00004; ExAC 0.00009; gnomAD exomes 0.00009.
gnomAD v4.1: 145 of 1,609,636 alleles (0.009%); highest among the groups gnomAD compares: South Asian, 0.031%; 1 homozygote.

Submissions (5):

Molecular Diagnostic Laboratory for Inherited Cardiovascular Disease, Montreal Heart Institute
Classification: Likely benign. Last evaluated: 2026-03-27. Review status: criteria provided, single submitter. Criteria: ACMG Guidelines, 2015. Collection method: clinical testing. Allele origin: germline. Affected: no.
Comment: BS1;BP4

CHEO Genetics Diagnostic Laboratory, Children's Hospital of Eastern Ontario
Classification: Likely benign for Cardiomyopathy. Last evaluated: 2020-08-11. Review status: criteria provided, single submitter. Criteria: ACMG Guidelines, 2015. Collection method: clinical testing. Allele origin: germline.

Labcorp Genetics (formerly Invitae), Labcorp
Classification: Uncertain significance for Dilated cardiomyopathy 1G; Autosomal recessive limb-girdle muscular dystrophy type 2J. Last evaluated: 2017-04-06. Review status: criteria provided, single submitter. Criteria: Invitae Variant Classification Sherloc (09022015). Collection method: clinical testing. Allele origin: germline.

Genetic Services Laboratory, University of Chicago
Classification: Uncertain significance. Last evaluated: 2016-03-04. Review status: criteria provided, single submitter. Criteria: ACMG Guidelines, 2015. Collection method: clinical testing. Allele origin: germline. Affected: no.

Laboratory for Molecular Medicine, Mass General Brigham Personalized Medicine
Classification: Uncertain significance. Last evaluated: 2014-05-08. Review status: criteria provided, single submitter. Criteria: LMM Criteria. Collection method: clinical testing. Allele origin: germline. Observed: 1 variant allele.
Comment: The 28030+4C>T variant in TTN has not been previously reported in individuals wi th cardiomyopathy, but has been identified in 1/8250 European American chromosom es by the NHLBI Exome Sequencing Project (dbSNP rs 368538884). This variant is located in the 5' splice region. Computational tool s do not suggest an effect on splicing; however, this information is not predict ive enough to rule out pathogenicity. In summary, the clinical significance of t he 28030+4C>T variant is uncertain.

NM_001267550.2(TTN):c.31762+4C>T

Gene: TTN (titin; minus strand). Cytogenetic location: 2q31.2.
Variant type: single nucleotide variant.
Coding change: c.31762+4C>T on transcript NM_001267550.2 (MANE Select); 4 bases into the intron after coding-DNA position 31762, C replaced by T.
Molecular consequence: intron variant.
Genome position (GRCh38, 1-based): chr2:178,692,012, G>A on the plus strand (C>T on the coding strand, the complement: TTN is on the minus strand). VCF-style: chr2-178692012-G-A. GRCh37 (hg19) VCF-style: chr2-179556739-G-A.
Other names: c.13282+46070C>T (NM_003319.4); c.13858+46070C>T (NM_133437.4); c.13657+46070C>T (NM_133432.3); c.28030+4C>T (NM_133378.4); c.30811+4C>T (NM_001256850.1).
Identifiers: ClinVar variation 166117 (VCV000166117.14), dbSNP rs368538884, ClinGen allele CA178916.